The following is an entry in ClinVar:

NM_001134407.3(GRIN2A):c.447G>A (p.Ala149=)

Gene: GRIN2A (glutamate ionotropic receptor NMDA type subunit 2A; minus strand). Cytogenetic location: 16p13.2.
Variant type: single nucleotide variant.
Coding change: c.447G>A on transcript NM_001134407.3 (MANE Select); coding-DNA position 447, G replaced by A.
Protein change: p.Ala149=; no amino-acid change (alanine 149 retained).
Molecular consequence: synonymous variant.
Genome position (GRCh38, 1-based): chr16:9,938,519, C>T on the plus strand (G>A on the coding strand, the complement: GRIN2A is on the minus strand). VCF-style: chr16-9938519-C-T. GRCh37 (hg19) VCF-style: chr16-10032376-C-T.
Other names: c.447G>A, p.Ala149= (NM_000833.5, NM_001134408.2).
Identifiers: ClinVar variation 377935 (VCV000377935.59), dbSNP rs144464666, ClinGen allele CA7896947.

ClinVar aggregate classification (germline): Benign/Likely benign. Review status: criteria provided, multiple submitters, no conflicts (2 of 4 stars). 6 submissions from 6 submitters: Benign (2); Likely benign (4). Last evaluated 2026-01-12.

Conditions:
Inborn genetic diseases. Identifiers: MedGen C0950123, MeSH D030342.
Landau-Kleffner syndrome (FESD). Also called: EPILEPSY, FOCAL, WITH SPEECH DISORDER AND WITH OR WITHOUT MENTAL RETARDATION; APHASIA, ACQUIRED, WITH EPILEPSY. Identifiers: Orphanet 1945, Orphanet 725, Orphanet 98818, MedGen C0282512, MONDO:0009509, OMIM 245570.

Allele frequency attached by ClinVar (database versions not stated): gnomAD 0.00009; TOPMed 0.00008; 1000 Genomes Project 0.00020; 1000 Genomes Project 30x 0.00031; ESP Exome Variant Server 0.00008.
gnomAD v4.1: 115 of 1,608,604 alleles (0.0071%); highest among the groups gnomAD compares: Middle Eastern, 0.016%; no homozygotes.

Submissions (6):

Labcorp Genetics (formerly Invitae), Labcorp
Classification: Likely benign for Landau-Kleffner syndrome. Last evaluated: 2026-01-12. Review status: criteria provided, single submitter. Criteria: Invitae Variant Classification Sherloc (09022015). Collection method: clinical testing. Allele origin: germline.

Blueprint Genetics
Classification: Likely benign. Last evaluated: 2024-10-29. Review status: criteria provided, single submitter. Criteria: ACMG Guidelines, 2015. Collection method: clinical testing. Allele origin: germline.

CeGaT Center for Human Genetics Tuebingen
Classification: Likely benign. Last evaluated: 2023-08-01. Review status: criteria provided, single submitter. Criteria: CeGaT Center For Human Genetics Tuebingen Variant Classification Criteria Version 2. Collection method: clinical testing. Allele origin: germline. Affected: yes. Observed: 6 variant alleles.
Comment: GRIN2A: BP4, BP7

Illumina Laboratory Services, Illumina
Classification: Benign for Landau-Kleffner syndrome. Last evaluated: 2018-01-12. Review status: criteria provided, single submitter. Criteria: ICSL Variant Classification Criteria 13 December 2019. Collection method: clinical testing. Allele origin: germline.
Comment: This variant was observed in the ICSL laboratory as part of a predisposition screen in an ostensibly healthy population. It had not been previously curated by ICSL or reported in the Human Gene Mutation Database (HGMD: prior to June 1st, 2018), and was therefore a candidate for classification through an automated scoring system. Utilizing variant allele frequency, disease prevalence and penetrance estimates, and inheritance mode, an automated score was calculated to assess if this variant is too frequent to cause the disease. Based on the score and internal cut-off values, a variant classified as benign is not then subjected to further curation. The score for this variant resulted in a classification of benign for this disease.

Ambry Genetics
Classification: Likely benign for Inborn genetic diseases. Last evaluated: 2016-04-25. Review status: criteria provided, single submitter. Criteria: Ambry Variant Classification Scheme 2023. Collection method: clinical testing. Allele origin: germline.

GeneDx
Classification: Benign. Last evaluated: 2015-07-12. Review status: criteria provided, single submitter. Criteria: GeneDx Variant Classification (06012015). Collection method: clinical testing. Allele origin: germline. Affected: yes.
Comment: This variant is considered likely benign or benign based on one or more of the following criteria: it is a conservative change, it occurs at a poorly conserved position in the protein, it is predicted to be benign by multiple in silico algorithms, and/or has population frequency not consistent with disease.